The following is an entry in ClinVar:

ClinVar aggregate classification (germline): Uncertain significance. Review status: criteria provided, multiple submitters, no conflicts (2 of 4 stars). 2 submissions from 2 submitters: Uncertain significance (2). Last evaluated 2025-07-14.

Conditions:
Tatton-Brown-Rahman overgrowth syndrome. Also called: Tatton-Brown-Rahman syndrome; Tall stature-intellectual disability-facial dysmorphism syndrome. Identifiers: Orphanet 404443, MedGen C4014545, MONDO:0014382, OMIM 615879.
Inborn genetic diseases. Identifiers: MedGen C0950123, MeSH D030342.

Allele frequency attached by ClinVar (database versions not stated): gnomAD 0.00001; TOPMed 0.00002.
gnomAD v4.1: 3 of 1,613,820 alleles (0.00019%); highest among the groups gnomAD compares: Non-Finnish European, 0.00025%; no homozygotes.

Submissions (2):

Labcorp Genetics (formerly Invitae), Labcorp
Classification: Uncertain significance for Tatton-Brown-Rahman overgrowth syndrome. Last evaluated: 2025-07-14. Review status: criteria provided, single submitter. Criteria: Invitae Variant Classification Sherloc (09022015). Collection method: clinical testing. Allele origin: germline.
Comment: This sequence change replaces alanine, which is neutral and non-polar, with threonine, which is neutral and polar, at codon 246 of the DNMT3A protein (p.Ala246Thr). This variant is present in population databases (no rsID available, gnomAD 0.01%). This variant has not been reported in the literature in individuals affected with DNMT3A-related conditions. ClinVar contains an entry for this variant (Variation ID: 841582). Invitae Evidence Modeling of protein sequence and biophysical properties (such as structural, functional, and spatial information, amino acid conservation, physicochemical variation, residue mobility, and thermodynamic stability) indicates that this missense variant is not expected to disrupt DNMT3A protein function with a negative predictive value of 95%. In summary, the available evidence is currently insufficient to determine the role of this variant in disease. Therefore, it has been classified as a Variant of Uncertain Significance.

Ambry Genetics
Classification: Uncertain significance for Inborn genetic diseases. Last evaluated: 2025-04-02. Review status: criteria provided, single submitter. Criteria: Ambry Variant Classification Scheme 2023. Collection method: clinical testing. Allele origin: germline.
Comment: The p.A246T variant (also known as c.736G>A), located in coding exon 6 of the DNMT3A gene, results from a G to A substitution at nucleotide position 736. The alanine at codon 246 is replaced by threonine, an amino acid with similar properties. This amino acid position is conserved. In addition, this alteration is predicted to be tolerated by in silico analysis. Based on the available evidence, the clinical significance of this variant remains unclear.

NM_022552.5(DNMT3A):c.736G>A (p.Ala246Thr)

Gene: DNMT3A (DNA methyltransferase 3 alpha; minus strand). Cytogenetic location: 2p23.3.
Variant type: single nucleotide variant.
Coding change: c.736G>A on transcript NM_022552.5 (MANE Select); coding-DNA position 736, G replaced by A.
Protein change: p.Ala246Thr; replaces alanine 246 with threonine.
Molecular consequence: missense variant. On other transcripts: non-coding transcript variant (1).
Genome position (GRCh38, 1-based): chr2:25,248,156, C>T on the plus strand (G>A on the coding strand, the complement: DNMT3A is on the minus strand). VCF-style: chr2-25248156-C-T. GRCh37 (hg19) VCF-style: chr2-25471025-C-T.
Other names: c.736G>A (NM_022552.3); c.280G>A, p.Ala94Thr (NM_001320893.1); c.67G>A, p.Ala23Thr (NM_001375819.1); c.169G>A, p.Ala57Thr (NM_153759.3); c.736G>A, p.Ala246Thr (NM_175629.2); short protein forms A23T, A246T, A57T, A94T.
Identifiers: ClinVar variation 841582 (VCV000841582.11), dbSNP rs1378389616, ClinGen allele CA346076466.